The following is an entry in ClinVar:

ClinVar aggregate classification (germline): Uncertain significance (1 of 4 stars; one submission).

Allele frequency attached by ClinVar (database versions not stated): TOPMed below 0.00001; ExAC 0.00002; gnomAD exomes 0.00003.
gnomAD v4.1: 38 of 1,609,062 alleles (0.0024%); highest among the groups gnomAD compares: Non-Finnish European, 0.0031%; no homozygotes.

Submission:

Labcorp Genetics (formerly Invitae), Labcorp
Classification: Uncertain significance. Last evaluated: 2025-01-22. Review status: criteria provided, single submitter. Criteria: Invitae Variant Classification Sherloc (09022015). Collection method: clinical testing. Allele origin: germline.
Comment: This sequence change replaces tyrosine, which is neutral and polar, with histidine, which is basic and polar, at codon 276 of the ROBO2 protein (p.Tyr276His). This variant is present in population databases (rs780389541, gnomAD 0.002%). This variant has not been reported in the literature in individuals affected with ROBO2-related conditions. ClinVar contains an entry for this variant (Variation ID: 1918133). Invitae Evidence Modeling of protein sequence and biophysical properties (such as structural, functional, and spatial information, amino acid conservation, physicochemical variation, residue mobility, and thermodynamic stability) indicates that this missense variant is not expected to disrupt ROBO2 protein function with a negative predictive value of 95%. In summary, the available evidence is currently insufficient to determine the role of this variant in disease. Therefore, it has been classified as a Variant of Uncertain Significance.

NM_001395656.1(ROBO2):c.826T>C (p.Tyr276His)

Gene: ROBO2 (roundabout guidance receptor 2; plus strand). Cytogenetic location: 3p12.3.
Variant type: single nucleotide variant.
Coding change: c.826T>C on transcript NM_001395656.1 (MANE Select); coding-DNA position 826, T replaced by C.
Protein change: p.Tyr276His; replaces tyrosine 276 with histidine.
Molecular consequence: missense variant. On other transcripts: 5 prime UTR variant (1).
Genome position (GRCh38, 1-based): chr3:77,522,794, T>C. VCF-style: chr3-77522794-T-C. GRCh37 (hg19) VCF-style: chr3-77571945-T-C.
Other names: c.874T>C, p.Tyr292His (NM_001128929.3, NM_001378190.1, NM_001378191.1 and 5 more transcripts); c.826T>C, p.Tyr276His (NM_001290039.2, NM_001290040.2, NM_001378193.1 and 3 more transcripts); c.-1093T>C (NM_001290065.2); c.895T>C, p.Tyr299His (NM_001378192.1, NM_001378194.1, NM_001378198.1 and 5 more transcripts); short protein forms Y299H, Y276H, Y292H.
Identifiers: ClinVar variation 1918133 (VCV001918133.5), dbSNP rs780389541, ClinGen allele CA2496864.